The following is an entry in ClinVar:

Conditions:
Breast-ovarian cancer, familial, susceptibility to, 1 (BROVCA1). Also called: BRCA1 Hereditary Breast and Ovarian Cancer; OVARIAN CANCER, SUSCEPTIBILITY TO. Identifiers: Orphanet 145, MedGen C2676676, MONDO:0011450, OMIM 604370. Disease mechanism: loss of function.

Submission:

Brotman Baty Institute, University of Washington
No classification provided (evidence only). Condition: Breast-ovarian cancer, familial 1. Review status: no classification provided. Collection method: in vitro. Allele origin: not applicable. Functional consequence: functionally_normal.
ClinVar note: "not provided" was previously submitted as the classification for the variant. However, the classification appeared to be based only on an observation of functional data so it was converted to no classification on 2025-07-30.

NM_007294.4(BRCA1):c.5263T>G (p.Ser1755Ala)

Gene: BRCA1 (BRCA1 DNA repair associated; minus strand). Cytogenetic location: 17q21.31.
Variant type: single nucleotide variant.
Coding change: c.5263T>G on transcript NM_007294.4 (MANE Select); coding-DNA position 5263, T replaced by G.
Protein change: p.Ser1755Ala; replaces serine 1755 with alanine.
Molecular consequence: missense variant. On other transcripts: non-coding transcript variant (1).
Genome position (GRCh38, 1-based): chr17:43,057,066, A>C on the plus strand (T>G on the coding strand, the complement: BRCA1 is on the minus strand). VCF-style: chr17-43057066-A-C. GRCh37 (hg19) VCF-style: chr17-41209083-A-C.
Other names: c.1828T>G, p.Ser610Ala (NM_001408437.1, NM_001408438.1, NM_001408439.1 and 10 more transcripts); c.1825T>G, p.Ser609Ala (NM_001408445.1, NM_001408446.1, NM_001408447.1 and 2 more transcripts); c.1813T>G, p.Ser605Ala (NM_001408457.1, NM_001408452.1, NM_001408453.1 and 3 more transcripts); c.1810T>G, p.Ser604Ala (NM_001408458.1, NM_001408459.1, NM_001408460.1 and 7 more transcripts); c.1744T>G, p.Ser582Ala (NM_001408478.1, NM_001408479.1, NM_001408480.1); c.1741T>G, p.Ser581Ala (NM_001408481.1, NM_001408482.1, NM_001408483.1 and 5 more transcripts); c.1690T>G, p.Ser564Ala (NM_001408500.1, NM_001408501.1, NM_001408496.1 and 3 more transcripts); c.1687T>G, p.Ser563Ala (NM_001408502.1, NM_001408503.1, NM_001408504.1); and 72 more; short protein forms S1708A, S1755A, S1776A, S651A, S1601A, S1642A, S1643A, S1665A.
Identifiers: ClinVar variation 867906 (VCV000867906.3), dbSNP rs2051501553, ClinGen allele CA10591028.